The following is an entry in ClinVar:

NM_001190737.2(NFIB):c.844G>T (p.Glu282Ter)

Gene: NFIB (nuclear factor I B; minus strand). Cytogenetic location: 9p23.
Variant type: single nucleotide variant.
Coding change: c.844G>T on transcript NM_001190737.2 (MANE Select); coding-DNA position 844, G replaced by T.
Protein change: p.Glu282Ter; replaces glutamic acid 282 with a stop codon.
Molecular consequence: nonsense. On other transcripts: non-coding transcript variant (4).
Genome position (GRCh38, 1-based): chr9:14,146,770, C>A on the plus strand (G>T on the coding strand, the complement: NFIB is on the minus strand). VCF-style: chr9-14146770-C-A. GRCh37 (hg19) VCF-style: chr9-14146769-C-A.
Other names: c.844G>T, p.Glu282Ter (NM_001369461.1, NM_001369464.1, NM_001369471.1 and 1 more transcripts); c.910G>T, p.Glu304Ter (NM_001369462.1, NM_001369468.1, NM_001369458.1 and 1 more transcripts); c.832G>T, p.Glu278Ter (NM_001369463.1, NM_001369466.1, NM_001369460.1 and 2 more transcripts); c.817G>T, p.Glu273Ter (NM_001369465.1, NM_001369467.1, NM_001369476.1); c.700G>T, p.Glu234Ter (NM_001369469.1); c.607G>T, p.Glu203Ter (NM_001369470.1, NM_001369478.1); c.922G>T, p.Glu308Ter (NM_001190738.2); c.88G>T, p.Glu30Ter (NM_001282787.2); and 4 more; short protein forms E103*, E203*, E207*, E234*, E264*, E273*, E277*, E278*.
Identifiers: ClinVar variation 2499088 (VCV002499088.28), dbSNP rs2538098365, ClinGen allele CA373092914.

ClinVar aggregate classification (germline): Pathogenic (1 of 4 stars; one submission).

Submission:

CeGaT Center for Human Genetics Tuebingen
Classification: Pathogenic. Last evaluated: 2024-12-01. Review status: criteria provided, single submitter. Criteria: CeGaT Center For Human Genetics Tuebingen Variant Classification Criteria Version 2. Collection method: clinical testing. Allele origin: germline. Affected: yes. Observed: 2 variant alleles.
Comment: NFIB: PVS1, PM2